The following is an entry in ClinVar:

NM_016580.4(PCDH12):c.212T>G (p.Leu71Arg)

Genes: PCDH12 (protocadherin 12; minus strand), RNF14 (ring finger protein 14; plus strand). Cytogenetic location: 5q31.3.
Variant type: single nucleotide variant.
Coding change: c.212T>G on transcript NM_016580.4 (MANE Select); coding-DNA position 212, T replaced by G.
Protein change: p.Leu71Arg; replaces leucine 71 with arginine.
Molecular consequence: missense variant.
Genome position (GRCh38, 1-based): chr5:141,957,640, A>C on the plus strand (T>G on the coding strand, the complement: PCDH12 is on the minus strand). VCF-style: chr5-141957640-A-C. GRCh37 (hg19) VCF-style: chr5-141337205-A-C.
Other names: c.212T>G (NM_016580.2); short protein forms L71R.
Identifiers: ClinVar variation 640848 (VCV000640848.7), dbSNP rs771716437, ClinGen allele CA3484610.

ClinVar aggregate classification (germline): Uncertain significance. Review status: criteria provided, multiple submitters, no conflicts (2 of 4 stars). 2 submissions from 2 submitters: Uncertain significance (2). Last evaluated 2024-10-25.

Conditions:
Inborn genetic diseases. Identifiers: MedGen C0950123, MeSH D030342.

Allele frequency attached by ClinVar (database versions not stated): gnomAD exomes below 0.00001; ExAC 0.00001; gnomAD 0.00001; TOPMed 0.00001.
gnomAD v4.1: 13 of 1,614,084 alleles (0.00081%); highest among the groups gnomAD compares: Non-Finnish European, 0.0011%; no homozygotes.

Submissions (2):

Labcorp Genetics (formerly Invitae), Labcorp
Classification: Uncertain significance. Last evaluated: 2024-10-25. Review status: criteria provided, single submitter. Criteria: Invitae Variant Classification Sherloc (09022015). Collection method: clinical testing. Allele origin: germline.
Comment: This sequence change replaces leucine, which is neutral and non-polar, with arginine, which is basic and polar, at codon 71 of the PCDH12 protein (p.Leu71Arg). This variant is present in population databases (rs771716437, gnomAD 0.0009%). This variant has not been reported in the literature in individuals affected with PCDH12-related conditions. ClinVar contains an entry for this variant (Variation ID: 640848). Invitae Evidence Modeling of protein sequence and biophysical properties (such as structural, functional, and spatial information, amino acid conservation, physicochemical variation, residue mobility, and thermodynamic stability) indicates that this missense variant is not expected to disrupt PCDH12 protein function with a negative predictive value of 95%. In summary, the available evidence is currently insufficient to determine the role of this variant in disease. Therefore, it has been classified as a Variant of Uncertain Significance.

Ambry Genetics
Classification: Uncertain significance for Inborn genetic diseases. Last evaluated: 2024-05-15. Review status: criteria provided, single submitter. Criteria: Ambry Variant Classification Scheme 2023. Collection method: clinical testing. Allele origin: germline.